The following is an entry in ClinVar:

ClinVar aggregate classification (germline): Pathogenic, low penetrance (1 of 4 stars; one submission).

Conditions:
Age related macular degeneration 4. Identifiers: MedGen C1853147, MONDO:0012540, OMIM 610698.

Submission:

Genomenon, Inc
Classification: Pathogenic, low penetrance for Age related macular degeneration 4. Last evaluated: 2025-10-02. Review status: criteria provided, single submitter. Criteria: Genomenon Sequence Variant Interpretation Standards - Updated. Collection method: curation. Allele origin: germline. Affected: yes.
Comment: CFH p.Tyr168Ter (c.504C>A) is a nonsense variant that introduces a premature stop codon at amino acid position 168, creating a truncated protein that is predicted to undergo nonsense-mediated mRNA decay. This variant has been observed in at least one proband affected with age-related macular degeneration (PMID:34508573). It is absent or not present at a significant frequency in gnomAD. In conclusion, we classify CFH p.Tyr168Ter (c.504C>A) as a pathogenic, low penetrance variant.

Literature cited by the submitters: PubMed 34508573.

NM_000186.4(CFH):c.504C>A (p.Tyr168Ter)

Gene: CFH (complement factor H; plus strand). Cytogenetic location: 1q31.3.
Variant type: single nucleotide variant.
Coding change: c.504C>A on transcript NM_000186.4 (MANE Select); coding-DNA position 504, C replaced by A.
Protein change: p.Tyr168Ter; replaces tyrosine 168 with a stop codon.
Molecular consequence: nonsense.
Genome position (GRCh38, 1-based): chr1:196,677,552, C>A. VCF-style: chr1-196677552-C-A. GRCh37 (hg19) VCF-style: chr1-196646682-C-A.
Other names: c.504C>A, p.Tyr168Ter (NM_001014975.3); short protein forms Y168*.
Identifiers: ClinVar variation 4291289 (VCV004291289.1).